The following is an entry in ClinVar:

ClinVar aggregate classification (germline): Uncertain significance. Review status: criteria provided, multiple submitters, no conflicts (2 of 4 stars). 2 submissions from 2 submitters: Uncertain significance (2). Last evaluated 2023-06-24.

Conditions:
Bethlem myopathy 1A. Also called: Bethlem Muscular Dystrophy; MYOPATHY, BENIGN CONGENITAL, WITH CONTRACTURES; Bethlem myopathy 1. Identifiers: Orphanet 610, MedGen CN029274, MONDO:0024530, OMIM 158810.

Allele frequency attached by ClinVar (database versions not stated): gnomAD exomes below 0.00001 and 0.00002; TOPMed below 0.00001; gnomAD 0.00001.
gnomAD v4.1: 35 of 1,613,998 alleles (0.0022%); highest among the groups gnomAD compares: Non-Finnish European, 0.0027%; no homozygotes.

Submissions (2):

Labcorp Genetics (formerly Invitae), Labcorp
Classification: Uncertain significance for Bethlem myopathy 1A. Last evaluated: 2023-06-24. Review status: criteria provided, single submitter. Criteria: Invitae Variant Classification Sherloc (09022015). Collection method: clinical testing. Allele origin: germline.
Comment: In summary, the available evidence is currently insufficient to determine the role of this variant in disease. Therefore, it has been classified as a Variant of Uncertain Significance. Advanced modeling of protein sequence and biophysical properties (such as structural, functional, and spatial information, amino acid conservation, physicochemical variation, residue mobility, and thermodynamic stability) performed at Invitae indicates that this missense variant is expected to disrupt COL6A3 protein function. ClinVar contains an entry for this variant (Variation ID: 286045). This variant has not been reported in the literature in individuals affected with COL6A3-related conditions. This variant is present in population databases (rs35799634, gnomAD 0.007%). This sequence change replaces asparagine, which is neutral and polar, with tyrosine, which is neutral and polar, at codon 1287 of the COL6A3 protein (p.Asn1287Tyr).

Eurofins Ntd Llc (ga)
Classification: Uncertain significance. Last evaluated: 2016-02-02. Review status: criteria provided, single submitter. Criteria: EGL Classification Definitions 2015. Collection method: clinical testing. Allele origin: germline. Observed: 1 variant allele, 1 heterozygote.

NM_004369.4(COL6A3):c.3859A>T (p.Asn1287Tyr)

Gene: COL6A3 (collagen type VI alpha 3 chain; minus strand). Cytogenetic location: 2q37.3.
Variant type: single nucleotide variant.
Coding change: c.3859A>T on transcript NM_004369.4 (MANE Select); coding-DNA position 3859, A replaced by T.
Protein change: p.Asn1287Tyr; replaces asparagine 1287 with tyrosine.
Molecular consequence: missense variant.
Genome position (GRCh38, 1-based): chr2:237,372,158, T>A on the plus strand (A>T on the coding strand, the complement: COL6A3 is on the minus strand). VCF-style: chr2-237372158-T-A. GRCh37 (hg19) VCF-style: chr2-238280801-T-A.
Other names: c.2638A>T, p.Asn880Tyr (NM_057164.5); c.3241A>T, p.Asn1081Tyr (NM_057165.5, NM_057167.4); c.2038A>T, p.Asn680Tyr (NM_057166.5); short protein forms N1287Y, N680Y, N880Y, N1081Y.
Identifiers: ClinVar variation 286045 (VCV000286045.6), dbSNP rs35799634, ClinGen allele CA10605342.